The following is an entry in ClinVar:

ClinVar aggregate classification (germline): Uncertain significance. Review status: criteria provided, single submitter (1 of 4 stars). 2 submissions from 2 submitters: Uncertain significance (1). 1 of the submissions does not count toward it. Last evaluated 2024-03-22.

Conditions:
Bartter disease type 4B. Also called: Bartter syndrome, type 4b, digenic; BARTTER SYNDROME, TYPE 4B; BARTTER SYNDROME, TYPE 4B, NEONATAL, WITH SENSORINEURAL DEAFNESS. Identifiers: Orphanet 112, MedGen C4310805, MONDO:0000909, OMIM 613090.
Bartter disease type 3. Also called: Bartter syndrome type 3. Identifiers: Orphanet 112, Orphanet 93605, MedGen C1846343, MONDO:0011822, OMIM 607364.

Allele frequency attached by ClinVar (database versions not stated): gnomAD 0.00003 and 0.00004; gnomAD exomes 0.00003; TOPMed 0.00003; ExAC 0.00004; ESP Exome Variant Server 0.00008.

Submissions (2):

Fulgent Genetics
Classification: Uncertain significance for Bartter disease type 3; Bartter disease type 4B. Last evaluated: 2024-03-22. Review status: criteria provided, single submitter. Criteria: ACMG Guidelines, 2015. Collection method: clinical testing. Allele origin: germline.

Martin Pollak Laboratory,  Beth Israel Deaconess Medical Center
Classification: Uncertain significance. Review status: no assertion criteria provided. Collection method: not provided. Allele origin: unknown. Not counted in ClinVar's aggregate classification.
Comment: Lower UCa2+ group
ClinVar note: Converted during submission from unknown to Uncertain significance.

NM_000085.5(CLCNKB):c.1944T>G (p.Phe648Leu)

Genes: CLCNKB (chloride voltage-gated channel Kb; plus strand), LOC106501713 (CLCNKB recombination region; plus strand). Cytogenetic location: 1p36.13.
Variant type: single nucleotide variant.
Coding change: c.1944T>G on transcript NM_000085.5 (MANE Select); coding-DNA position 1944, T replaced by G.
Protein change: p.Phe648Leu; replaces phenylalanine 648 with leucine.
Molecular consequence: missense variant.
Genome position (GRCh38, 1-based): chr1:16,056,436, T>G. VCF-style: chr1-16056436-T-G. GRCh37 (hg19) VCF-style: chr1-16382931-T-G.
Other names: c.1434T>G, p.Phe478Leu (NM_001165945.2); short protein forms F648L, F478L.
Identifiers: ClinVar variation 64378 (VCV000064378.4), dbSNP rs370019965, ClinGen allele CA216008.
Genomic context (GRCh38, chr1:16,056,436, plus strand): 5'-CTGGGCACCTTCTACCCTCCAGTGTTTCCTAACATCCCCCATCCAGGCACACAACCTCTT[T>G]GAGCTGTTGAACCTTCATTCCCTCTTTGTGACGTCGCGGGGCAGAGCTGTGGGCTGCGTG-3'
Protein context (NP_000076.2, residues 638-658): ETSLHEAHNL[Phe648Leu]ELLNLHSLFV